The following is an entry in ClinVar:

ClinVar aggregate classification (germline): Uncertain significance (1 of 4 stars; one submission).

Conditions:
Immunodeficiency 126, susceptibility to. Identifiers: MedGen C5975362, MONDO:0975761, OMIM 620931.

Submission:

Mendelics
Classification: Uncertain significance for Immunodeficiency 126, susceptibility to. Last evaluated: 2026-03-05. Review status: criteria provided, single submitter. Criteria: ACMG Guidelines, 2015. Collection method: clinical testing. Allele origin: unknown.
Comment: The available evidence is insufficient to conclusively determine the role of this variant. Therefore, it is classified as a Variant of Uncertain Significance.

NM_138576.4(BCL11B):c.1142C>T (p.Ser381Phe)

Gene: BCL11B (BCL11 transcription factor B; minus strand). Cytogenetic location: 14q32.2.
Variant type: single nucleotide variant.
Coding change: c.1142C>T on transcript NM_138576.4 (MANE Select); coding-DNA position 1142, C replaced by T.
Protein change: p.Ser381Phe; replaces serine 381 with phenylalanine.
Molecular consequence: missense variant.
Genome position (GRCh38, 1-based): chr14:99,175,694, G>A on the plus strand (C>T on the coding strand, the complement: BCL11B is on the minus strand). VCF-style: chr14-99175694-G-A. GRCh37 (hg19) VCF-style: chr14-99642031-G-A.
Other names: c.1139C>T, p.Ser380Phe (NM_001282237.2); c.926C>T, p.Ser309Phe (NM_001282238.2); c.929C>T, p.Ser310Phe (NM_022898.3); short protein forms S309F, S310F, S380F, S381F.
Identifiers: ClinVar variation 4813606 (VCV004813606.1).